The following is an entry in ClinVar:

ClinVar aggregate classification (germline): Benign (1 of 4 stars; one submission).

Conditions:
Rotor syndrome (HBLRR). Also called: HYPERBILIRUBINEMIA, ROTOR TYPE, DIGENIC; HYPERBILIRUBINEMIA, ROTOR TYPE. Identifiers: Orphanet 3111, MedGen C0220991, MONDO:0009379, OMIM 237450.

Allele frequency attached by ClinVar (database versions not stated): gnomAD exomes 0.00034; gnomAD 0.00038; TOPMed 0.00065; 1000 Genomes Project 30x 0.00234; 1000 Genomes Project 0.00280.
gnomAD v4.1: 454 of 1,351,116 alleles (0.034%); highest among the groups gnomAD compares: East Asian, 0.97%; no homozygotes.

Submission:

Illumina Laboratory Services, Illumina
Classification: Benign for Rotor syndrome. Last evaluated: 2018-01-12. Review status: criteria provided, single submitter. Criteria: ICSL Variant Classification Criteria 13 December 2019. Collection method: clinical testing. Allele origin: germline.
Comment: This variant was observed in the ICSL laboratory as part of a predisposition screen in an ostensibly healthy population. It had not been previously curated by ICSL or reported in the Human Gene Mutation Database (HGMD: prior to June 1st, 2018), and was therefore a candidate for classification through an automated scoring system. Utilizing variant allele frequency, disease prevalence and penetrance estimates, and inheritance mode, an automated score was calculated to assess if this variant is too frequent to cause the disease. Based on the score and internal cut-off values, a variant classified as benign is not then subjected to further curation. The score for this variant resulted in a classification of benign for this disease.

NM_006446.5(SLCO1B1):c.*40C>G

Gene: SLCO1B1 (solute carrier organic anion transporter family member 1B1; plus strand). Cytogenetic location: 12p12.1.
Variant type: single nucleotide variant.
Coding change: c.*40C>G on transcript NM_006446.5 (MANE Select); 40 bases downstream of the stop codon, C replaced by G.
Molecular consequence: 3 prime UTR variant.
Genome position (GRCh38, 1-based): chr12:21,239,229, C>G. VCF-style: chr12-21239229-C-G. GRCh37 (hg19) VCF-style: chr12-21392163-C-G.
Other names: c.*40C>G (LRG_1022t1).
Identifiers: ClinVar variation 307961 (VCV000307961.5), dbSNP rs79775553, ClinGen allele CA6477263.
Genomic context (GRCh38, chr12:21,239,229, plus strand): 5'-GATAGTGAAACACATTGTTAAGGGGAGAAAAAAAGCCACTTCTGCTTCTGTGTTTCCAAA[C>G]AGCATTGCATTGATTCAGTAAGATGTTATTTTTGAGGAGTTCCTGGTCCTTTCACTAAGA-3'